The following is an entry in ClinVar:

NM_001393769.1(MED12L):c.5681A>G (p.Gln1894Arg)

Gene: MED12L (mediator complex subunit 12L; plus strand). Cytogenetic location: 3q25.1.
Variant type: single nucleotide variant.
Coding change: c.5681A>G on transcript NM_001393769.1 (MANE Select); coding-DNA position 5681, A replaced by G.
Protein change: p.Gln1894Arg; replaces glutamine 1894 with arginine.
Molecular consequence: missense variant.
Genome position (GRCh38, 1-based): chr3:151,394,728, A>G. VCF-style: chr3-151394728-A-G. GRCh37 (hg19) VCF-style: chr3-151112516-A-G.
Other names: c.5576A>G, p.Gln1859Arg (NM_053002.6); short protein forms Q1859R, Q1894R.
Identifiers: ClinVar variation 5008132 (VCV005008132.1).

ClinVar aggregate classification (germline): Uncertain significance (1 of 4 stars; one submission).

Submission:

GeneDx
Classification: Uncertain significance. Last evaluated: 2026-03-08. Review status: criteria provided, single submitter. Criteria: GeneDx Variant Classification Process June 2021. Collection method: clinical testing. Allele origin: germline.
Comment: Not observed at significant frequency in large population cohorts (gnomAD); In silico analysis suggests that this missense variant does not alter protein structure/function; Has not been previously published as pathogenic or benign to our knowledge